The following is an entry in ClinVar:

NM_005732.4(RAD50):c.1508A>G (p.Glu503Gly)

Gene: RAD50 (RAD50 double strand break repair protein; plus strand). Cytogenetic location: 5q31.1.
Variant type: single nucleotide variant.
Coding change: c.1508A>G on transcript NM_005732.4 (MANE Select); coding-DNA position 1508, A replaced by G.
Protein change: p.Glu503Gly; replaces glutamic acid 503 with glycine.
Molecular consequence: missense variant.
Genome position (GRCh38, 1-based): chr5:132,591,279, A>G. VCF-style: chr5-132591279-A-G. GRCh37 (hg19) VCF-style: chr5-131926971-A-G.
Other names: short protein forms E503G.
Identifiers: ClinVar variation 854141 (VCV000854141.11), dbSNP rs1750692278, ClinGen allele CA360945639.

ClinVar aggregate classification (germline): Uncertain significance. Review status: criteria provided, multiple submitters, no conflicts (2 of 4 stars). 2 submissions from 2 submitters: Uncertain significance (2). Last evaluated 2026-07-13.

Conditions:
Hereditary cancer-predisposing syndrome. Also called: Tumor predisposition; Hereditary neoplastic syndrome; Neoplastic Syndromes, Hereditary; Hereditary Cancer Syndrome. Identifiers: Orphanet 140162, MedGen C0027672, MeSH D009386, MONDO:0015356.

Submissions (2):

Ambry Genetics
Classification: Uncertain significance for Hereditary cancer-predisposing syndrome. Last evaluated: 2026-07-13. Review status: criteria provided, single submitter. Criteria: Ambry Variant Classification Scheme 2023. Collection method: clinical testing. Allele origin: germline.
Comment: The p.E503G variant (also known as c.1508A>G), located in coding exon 10 of the RAD50 gene, results from an A to G substitution at nucleotide position 1508. The glutamic acid at codon 503 is replaced by glycine, an amino acid with similar properties. This amino acid position is conserved. In addition, this alteration is predicted to be deleterious by in silico analysis. Based on the available evidence, the clinical significance of this variant remains unclear.

Labcorp Genetics (formerly Invitae), Labcorp
Classification: Uncertain significance for Hereditary cancer-predisposing syndrome. Last evaluated: 2019-12-16. Review status: criteria provided, single submitter. Criteria: Invitae Variant Classification Sherloc (09022015). Collection method: clinical testing. Allele origin: germline.
Comment: In summary, the available evidence is currently insufficient to determine the role of this variant in disease. Therefore, it has been classified as a Variant of Uncertain Significance. Algorithms developed to predict the effect of missense changes on protein structure and function are either unavailable or do not agree on the potential impact of this missense change (SIFT: "Tolerated"; PolyPhen-2: "Probably Damaging"; Align-GVGD: "Class C0"). This variant has not been reported in the literature in individuals with RAD50-related conditions. This variant is not present in population databases (ExAC no frequency). This sequence change replaces glutamic acid with glycine at codon 503 of the RAD50 protein (p.Glu503Gly). The glutamic acid residue is moderately conserved and there is a moderate physicochemical difference between glutamic acid and glycine.